The following is an entry in ClinVar:

NM_013267.4(GLS2):c.388C>T (p.Arg130Ter)

Gene: GLS2 (glutaminase 2; minus strand). Cytogenetic location: 12q13.3.
Variant type: single nucleotide variant.
Coding change: c.388C>T on transcript NM_013267.4 (MANE Select); coding-DNA position 388, C replaced by T.
Protein change: p.Arg130Ter; replaces arginine 130 with a stop codon.
Molecular consequence: nonsense. On other transcripts: 5 prime UTR variant (2), intron variant (1).
Genome position (GRCh38, 1-based): chr12:56,479,796, G>A on the plus strand (C>T on the coding strand, the complement: GLS2 is on the minus strand). VCF-style: chr12-56479796-G-A. GRCh37 (hg19) VCF-style: chr12-56873580-G-A.
Other names: c.-514C>T (NM_001280796.2); c.-278C>T (NM_001280797.2); c.-261-1534C>T (NM_001280798.2); short protein forms R130*.
Identifiers: ClinVar variation 4879211 (VCV004879211.1).

ClinVar aggregate classification (germline): Uncertain significance (1 of 4 stars; one submission).

Submission:

Clinical Genomics Laboratory, Washington University in St. Louis
Classification: Uncertain significance. Last evaluated: 2026-01-06. Review status: criteria provided, single submitter. Criteria: ACMG Guidelines, 2015. Collection method: clinical testing. Allele origin: germline.
Comment: The GLS2 c.388C>T (p.Arg130*) variant, to our knowledge, has not been reported in the medical literature. This variant is only observed in 11/279,552 alleles in the general population (gnomAD v2.1.1), indicating it is not a common variant. This variant leads to a premature termination codon, which is predicted to lead to nonsense mediated decay. Due to limited information, the clinical significance of this variant is uncertain.